The following is an entry in ClinVar:

NM_006915.3(RP2):c.*2085T>C

Gene: RP2 (RP2 activator of ARL3 GTPase; plus strand). Cytogenetic location: Xp11.3.
Variant type: single nucleotide variant.
Coding change: c.*2085T>C on transcript NM_006915.3 (MANE Select); 2085 bases downstream of the stop codon, T replaced by C.
Molecular consequence: 3 prime UTR variant.
Genome position (GRCh38, 1-based): chrX:46,881,854, T>C. VCF-style: chrX-46881854-T-C. GRCh37 (hg19) VCF-style: chrX-46741289-T-C.
Identifiers: ClinVar variation 368324 (VCV000368324.5), dbSNP rs73478384, ClinGen allele CA10653927.

ClinVar aggregate classification (germline): Benign (1 of 4 stars; one submission).

Conditions:
Retinitis pigmentosa (RP). Identifiers: Orphanet 791, MedGen C0035334, MeSH D012174, MONDO:0019200, OMIM 268000. Inheritance: Autosomal dominant, autosomal recessive and X linked inheritance.

Allele frequency attached by ClinVar (database versions not stated): gnomAD 0.00682 and 0.00737; 1000 Genomes Project 0.00768; TOPMed 0.00772; 1000 Genomes Project 30x 0.00874.

Submission:

Illumina Laboratory Services, Illumina
Classification: Benign for Retinitis pigmentosa. Last evaluated: 2018-01-13. Review status: criteria provided, single submitter. Criteria: ICSL Variant Classification Criteria 13 December 2019. Collection method: clinical testing. Allele origin: germline.
Comment: This variant was observed in the ICSL laboratory as part of a predisposition screen in an ostensibly healthy population. It had not been previously curated by ICSL or reported in the Human Gene Mutation Database (HGMD: prior to June 1st, 2018), and was therefore a candidate for classification through an automated scoring system. Utilizing variant allele frequency, disease prevalence and penetrance estimates, and inheritance mode, an automated score was calculated to assess if this variant is too frequent to cause the disease. Based on the score and internal cut-off values, a variant classified as benign is not then subjected to further curation. The score for this variant resulted in a classification of benign for this disease.